The following is an entry in ClinVar:

NM_004415.4(DSP):c.1952A>G (p.His651Arg)

Gene: DSP (desmoplakin; plus strand). Cytogenetic location: 6p24.3.
Variant type: single nucleotide variant.
Coding change: c.1952A>G on transcript NM_004415.4 (MANE Select); coding-DNA position 1952, A replaced by G.
Protein change: p.His651Arg; replaces histidine 651 with arginine.
Molecular consequence: missense variant.
Genome position (GRCh38, 1-based): chr6:7,571,890, A>G. VCF-style: chr6-7571890-A-G. GRCh37 (hg19) VCF-style: chr6-7572123-A-G.
Other names: c.1952A>G, p.His651Arg (NM_001008844.3, NM_001319034.2); short protein forms H651R.
Identifiers: ClinVar variation 922951 (VCV000922951.6), dbSNP rs1759065265, ClinGen allele CA362680168.

ClinVar aggregate classification (germline): Uncertain significance. Review status: criteria provided, multiple submitters, no conflicts (2 of 4 stars). 2 submissions from 2 submitters: Uncertain significance (2). Last evaluated 2024-03-07.

Conditions:
Arrhythmogenic cardiomyopathy with wooly hair and keratoderma. Also called: PALMOPLANTAR KERATODERMA WITH LEFT VENTRICULAR CARDIOMYOPATHY AND WOOLLY HAIR; Carvajal syndrome; Dilated cardiomyopathy with woolly hair and keratoderma; Arrhythmogenic cardiomyopathy with woolly hair and keratoderma. Identifiers: Orphanet 65282, MedGen C1854063, MONDO:0011581, OMIM 605676.
Cardiomyopathy (CMYO). Also called: Cardiomyopathies. Identifiers: Orphanet 167848, MedGen C0878544, MONDO:0004994, HP:0001638. Inheritance: Various modes of inheritance.

Allele frequency attached by ClinVar (database versions not stated): gnomAD exomes below 0.00001.
gnomAD v4.1: 2 of 1,614,064 alleles (0.00012%); highest among the groups gnomAD compares: South Asian, 0.0022%; no homozygotes.

Submissions (2):

Color Diagnostics, LLC DBA Color Health
Classification: Uncertain significance for Cardiomyopathy. Last evaluated: 2024-03-07. Review status: criteria provided, single submitter. Criteria: ACMG Guidelines, 2015. Collection method: clinical testing. Allele origin: germline.
Comment: This missense variant replaces histidine with arginine at codon 651 of the DSP protein. Computational prediction suggests that this variant may not impact protein structure and function (internally defined REVEL score threshold <= 0.5, PMID: 27666373). To our knowledge, functional studies have not been reported for this variant. This variant has not been reported in individuals affected with DSP-related disorders in the literature. This variant has not been identified in the general population by the Genome Aggregation Database (gnomAD). The available evidence is insufficient to determine the role of this variant in disease conclusively. Therefore, this variant is classified as a Variant of Uncertain Significance.

All of Us Research Program, National Institutes of Health
Classification: Uncertain significance for Arrhythmogenic cardiomyopathy with wooly hair and keratoderma. Last evaluated: 2023-05-30. Review status: criteria provided, single submitter. Criteria: ACMG Guidelines, 2015. Collection method: clinical testing. Allele origin: germline. Inheritance: Autosomal dominant inheritance. Observed: 1 variant allele, 1 heterozygote.
Comment: This missense variant replaces histidine with arginine at codon 651 of the DSP protein. Computational prediction suggests that this variant may not impact protein structure and function (internally defined REVEL score threshold <= 0.5, PMID: 27666373). To our knowledge, functional studies have not been reported for this variant. This variant has not been reported in individuals affected with DSP-related disorders in the literature. This variant has not been identified in the general population by the Genome Aggregation Database (gnomAD). The available evidence is insufficient to determine the role of this variant in disease conclusively. Therefore, this variant is classified as a Variant of Uncertain Significance.

This study involves interpretation of variants in research participants for the purpose of population health screening. Participant phenotype was not available at the time of variant classification. Additional details can be found in publication PMID: 35346344, PMCID: PMC8962531